The following is an entry in ClinVar:

ClinVar aggregate classification (germline): Uncertain significance (1 of 4 stars; one submission).

Submission:

Labcorp Genetics (formerly Invitae), Labcorp
Classification: Uncertain significance. Last evaluated: 2024-01-16. Review status: criteria provided, single submitter. Criteria: Invitae Variant Classification Sherloc (09022015). Collection method: clinical testing. Allele origin: germline.
Comment: This variant results in a copy number gain of the genomic region encompassing exon(s) 1-17 of the TNNI3K gene. This region includes the initiator codon of the gene. This copy number gain extends beyond the assayed region for this gene and therefore may encompass additional genes. As the precise location of this event is unknown, it may be in tandem or it may be located elsewhere in the genome. This variant has not been reported in the literature in individuals affected with TNNI3K-related conditions. In summary, the available evidence is currently insufficient to determine the role of this variant in disease. Therefore, it has been classified as a Variant of Uncertain Significance.

NC_000001.10:g.(?_74701136)_(74836096_?)dup

Genes: FPGT-TNNI3K (FPGT-TNNI3K readthrough; plus strand), TNNI3K (TNNI3 interacting kinase; plus strand). Cytogenetic location: 1p31.1.
Variant type: Duplication.
Identifiers: ClinVar variation 1375872 (VCV001375872.5).